The following is an entry in ClinVar:

NM_000245.4(MET):c.2523_2526dup (p.Pro843Ter)

Gene: MET (MET proto-oncogene, receptor tyrosine kinase; plus strand). Cytogenetic location: 7q31.2.
Variant type: Duplication.
Coding change: c.2523_2526dup on transcript NM_000245.4 (MANE Select); coding-DNA positions 2523 to 2526, 4 bases duplicated (TAAG; older notation c.2523_2526dupTAAG).
Protein change: p.Pro843Ter; replaces proline 843 with a stop codon.
Molecular consequence: nonsense. On other transcripts: frameshift variant (1).
Genome position (GRCh38, 1-based): chr7:116,763,208-116,763,211, TAAG duplicated. VCF-style (leftmost placement, unchanged base first): chr7-116763207-T-TTAAG. GRCh37 (hg19) VCF-style: chr7-116403261-T-TTAAG.
Other names: c.2577_2580dup, p.Pro861Ter (NM_001127500.3); c.2523_2526dup, p.Pro843Ter (NM_001324401.3); c.1233_1236dup, p.Pro413Ter (NM_001324402.2); c.2577_2580dupTAAG (NM_001127500.1); short protein forms P843*, P413*, P861*.
Identifiers: ClinVar variation 3395190 (VCV003395190.1).

ClinVar aggregate classification (germline): Uncertain significance (1 of 4 stars; one submission).

Conditions:
Hereditary cancer-predisposing syndrome. Also called: Hereditary Cancer Syndrome; Tumor predisposition; Hereditary neoplastic syndrome; Neoplastic Syndromes, Hereditary. Identifiers: Orphanet 140162, MedGen C0027672, MeSH D009386, MONDO:0015356.

Submission:

Ambry Genetics
Classification: Uncertain significance for Hereditary cancer-predisposing syndrome. Last evaluated: 2024-11-21. Review status: criteria provided, single submitter. Criteria: Ambry Variant Classification Scheme 2023. Collection method: clinical testing. Allele origin: germline.
Comment: The c.2577_2580dupTAAG variant, located in coding exon 10 of the MET gene, results from a duplication of TAAG at nucleotide positions 2577 to 2580, causing a translational frameshift with a predicted alternate stop codon (p.P861*). This alteration is expected to result in protein truncation or nonsense-mediated mRNA decay. However, loss of function of MET has not been established as a mechanism of disease. Based on the available evidence, the clinical significance of this alteration remains unclear.